The following is an entry in ClinVar:

ClinVar aggregate classification (germline): Benign. Review status: criteria provided, multiple submitters, no conflicts (2 of 4 stars). 2 submissions from 2 submitters: Benign (2). Last evaluated 2018-06-14.

Allele frequency attached by ClinVar (database versions not stated): TOPMed 0.86921; 1000 Genomes Project 30x 0.86930; 1000 Genomes Project 0.87380; gnomAD 0.87677 and 0.88084.
gnomAD v4.1: 133,937 of 151,950 alleles (88%); highest among the groups gnomAD compares: East Asian, 99%; 59,909 homozygotes.

Submissions (2):

GeneDx
Classification: Benign. Last evaluated: 2018-06-14. Review status: criteria provided, single submitter. Criteria: GeneDx Variant Classification (06012015). Collection method: clinical testing. Allele origin: germline. Affected: yes.
Comment: This variant is considered likely benign or benign based on one or more of the following criteria: it is a conservative change, it occurs at a poorly conserved position in the protein, it is predicted to be benign by multiple in silico algorithms, and/or has population frequency not consistent with disease.

Breakthrough Genomics
Classification: Benign. Review status: criteria provided, single submitter. Criteria: ACMG Guidelines, 2015. Collection method: not provided. Allele origin: germline. Inheritance: Autosomal recessive inheritance. Affected: yes.

NM_025114.4(CEP290):c.1066-255T>C

Gene: CEP290 (centrosomal protein 290; minus strand). Cytogenetic location: 12q21.32.
Variant type: single nucleotide variant.
Coding change: c.1066-255T>C on transcript NM_025114.4 (MANE Select); 255 bases into the intron before coding-DNA position 1066, T replaced by C.
Molecular consequence: intron variant.
Genome position (GRCh38, 1-based): chr12:88,125,624, A>G on the plus strand (T>C on the coding strand, the complement: CEP290 is on the minus strand). VCF-style: chr12-88125624-A-G. GRCh37 (hg19) VCF-style: chr12-88519401-A-G.
Identifiers: ClinVar variation 678615 (VCV000678615.2), dbSNP rs2468260, ClinGen allele CA241154910.